The following is an entry in ClinVar:

NC_000012.12:g.(?_102866576)_(102866683_?)del

Gene: PAH (phenylalanine hydroxylase; minus strand). Cytogenetic location: 12q23.2.
Variant type: Deletion.
Identifiers: ClinVar variation 527865 (VCV000527865.2).

ClinVar aggregate classification (germline): Pathogenic (1 of 4 stars; one submission).

Conditions:
Phenylketonuria (PKU). Also called: Phenylketonurias; Phenylketonuria (PKU); OLIGOPHRENIA PHENYLPYRUVICA; FOLLING DISEASE. Identifiers: Orphanet 716, MedGen C0031485, MONDO:0009861, OMIM 261600. Disease mechanism: loss of function.

Submission:

Labcorp Genetics (formerly Invitae), Labcorp
Classification: Pathogenic for Phenylketonuria. Last evaluated: 2019-05-20. Review status: criteria provided, single submitter. Criteria: Invitae Variant Classification Sherloc (09022015). Collection method: clinical testing. Allele origin: germline.
Comment: This variant is an out-of-frame deletion of the genomic region encompassing exon 5 of the PAH gene. This is expected to create a premature translational stop signal and result in an absent or disrupted protein product. A similar variant has been reported in combination with another PAH variant in several individuals affected with phenylketonuria or hyperphenylalaninemia (PMID: 12655547, 22513348, 23942198). Loss-of-function variants in PAH are known to be pathogenic (PMID: 1301187, 9634518). For these reasons, this variant has been classified as Pathogenic.

Literature cited by the submitters: PubMed 23942198; PubMed 12655547; PubMed 22513348.